The following is an entry in ClinVar:

NM_000521.4(HEXB):c.871dup (p.Thr291fs)

Gene: HEXB (hexosaminidase subunit beta; plus strand). Cytogenetic location: 5q13.3.
Variant type: Duplication.
Coding change: c.871dup on transcript NM_000521.4 (MANE Select); coding-DNA position 871, one base duplicated (A; older notation c.871dupA).
Protein change: p.Thr291fs; shifts the reading frame from threonine 291.
Molecular consequence: frameshift variant.
Genome position (GRCh38, 1-based): chr5:74,713,605, A duplicated. VCF-style (leftmost placement, unchanged base first): chr5-74713604-T-TA. GRCh37 (hg19) VCF-style: chr5-74009429-T-TA.
Other names: c.196dup, p.Thr66fs (NM_001292004.2); short protein forms T291fs, T66fs.
Identifiers: ClinVar variation 5016178 (VCV005016178.1).
Genomic context (GRCh38, chr5:74,713,604, plus strand): 5'-TGTCCGTATGGTGATTGAATATGCCAGATTACGAGGAATTCGAGTCCTGCCAGAATTTGA[T>TA]ACCCCTGGGCATACACTATCTTGGGGAAAAGGTAAGGAGTTGTATTTTATTTCATTTTAT-3'

ClinVar aggregate classification (germline): Pathogenic (1 of 4 stars; one submission).

Conditions:
Sandhoff disease. Also called: HEXOSAMINIDASES A AND B DEFICIENCY; Beta-hexosaminidase-beta-subunit deficiency; GM2 gangliosidosis, type 2; Total hexosaminidase deficiency; Sandhoff-Jatzkewitz-Pilz disease; GM2-GANGLIOSIDOSIS, TYPE II. Identifiers: Orphanet 796, MedGen C0036161, MONDO:0010006, OMIM 268800.

Submission:

Myriad Genetics, Inc.
Classification: Pathogenic for Sandhoff disease. Last evaluated: 2026-07-28. Review status: criteria provided, single submitter. Criteria: Myriad Autosomal Dominant, Autosomal Recessive and X-Linked Classification Criteria (2023). Collection method: clinical testing. Allele origin: unknown.
Comment: NM_000521.3(HEXB):c.871dupA(T291Nfs*22) is expected to be pathogenic in the context of Sandhoff disease. This variant is predicted to lead to an abnormal or absent protein product due to the creation of a premature termination codon in HEXB, a gene where loss-of-function variants are known to be pathogenic. Please note: this variant was assessed in the context of healthy population screening.